The following is an entry in ClinVar:

NM_001395159.1(UNC79):c.5108C>G (p.Ser1703Cys)

Gene: UNC79 (unc-79 subunit of NALCN channel complex; plus strand). Cytogenetic location: 14q32.12.
Variant type: single nucleotide variant.
Coding change: c.5108C>G on transcript NM_001395159.1 (MANE Select); coding-DNA position 5108, C replaced by G.
Protein change: p.Ser1703Cys; replaces serine 1703 with cysteine.
Molecular consequence: missense variant.
Genome position (GRCh38, 1-based): chr14:93,622,125, C>G. VCF-style: chr14-93622125-C-G. GRCh37 (hg19) VCF-style: chr14-94088471-C-G.
Other names: c.5042C>G, p.Ser1681Cys (NM_001346218.2); c.4361C>G, p.Ser1454Cys (NM_020818.5); short protein forms S1454C, S1681C, S1703C.
Identifiers: ClinVar variation 4685428 (VCV004685428.1).

ClinVar aggregate classification (germline): Uncertain significance (1 of 4 stars; one submission).

gnomAD v4.1: 1 of 1,614,164 alleles (0.000062%); highest among the groups gnomAD compares: Non-Finnish European, 0.000085%; no homozygotes.

Submission:

GeneDx
Classification: Uncertain significance. Last evaluated: 2025-07-12. Review status: criteria provided, single submitter. Criteria: GeneDx Variant Classification Process June 2021. Collection method: clinical testing. Allele origin: germline. Affected: yes.
Comment: Not observed at significant frequency in large population cohorts (gnomAD); In silico analysis suggests that this missense variant does not alter protein structure/function; Has not been previously published as pathogenic or benign to our knowledge